The following is an entry in ClinVar:

NM_022124.6(CDH23):c.5503-2A>G

Gene: CDH23 (cadherin related 23; plus strand). Cytogenetic location: 10q22.1.
Variant type: single nucleotide variant.
Coding change: c.5503-2A>G on transcript NM_022124.6 (MANE Select); the canonical splice acceptor site of the intron before coding-DNA position 5503, A replaced by G.
Molecular consequence: splice acceptor variant.
Genome position (GRCh38, 1-based): chr10:71,784,889, A>G. VCF-style: chr10-71784889-A-G. GRCh37 (hg19) VCF-style: chr10-73544646-A-G.
Identifiers: ClinVar variation 1471361 (VCV001471361.6), dbSNP rs2132939079, ClinGen allele CA377146184.

ClinVar aggregate classification (germline): Likely pathogenic (1 of 4 stars; one submission).

Submission:

Labcorp Genetics (formerly Invitae), Labcorp
Classification: Likely pathogenic. Last evaluated: 2023-09-21. Review status: criteria provided, single submitter. Criteria: Invitae Variant Classification Sherloc (09022015). Collection method: clinical testing. Allele origin: germline.
Comment: In summary, the currently available evidence indicates that the variant is pathogenic, but additional data are needed to prove that conclusively. Therefore, this variant has been classified as Likely Pathogenic. Algorithms developed to predict the effect of sequence changes on RNA splicing suggest that this variant may disrupt the consensus splice site. This sequence change affects an acceptor splice site in intron 42 of the CDH23 gene. It is expected to disrupt RNA splicing. Variants that disrupt the donor or acceptor splice site typically lead to a loss of protein function (PMID: 16199547), and loss-of-function variants in CDH23 are known to be pathogenic (PMID: 11138009, 21940737). This variant is not present in population databases (gnomAD no frequency). This variant has not been reported in the literature in individuals affected with CDH23-related conditions. ClinVar contains an entry for this variant (Variation ID: 1471361).

Literature cited by the submitters: PubMed 16199547; PubMed 11138009; PubMed 21940737.